The following is an entry in ClinVar:

ClinVar aggregate classification (germline): Uncertain significance (1 of 4 stars; one submission).

Conditions:
DICER1-related tumor predisposition. Also called: DICER1-related pleuropulmonary blastoma cancer predisposition syndrome; DICER1 syndrome. Identifiers: Orphanet 284343, MedGen C3839822, MONDO:0100216.

Submission:

Labcorp Genetics (formerly Invitae), Labcorp
Classification: Uncertain significance for DICER1-related tumor predisposition. Last evaluated: 2025-02-27. Review status: criteria provided, single submitter. Criteria: Invitae Variant Classification Sherloc (09022015). Collection method: clinical testing. Allele origin: germline.
Comment: This sequence change replaces glutamine, which is neutral and polar, with histidine, which is basic and polar, at codon 1135 of the DICER1 protein (p.Gln1135His). This variant is not present in population databases (gnomAD no frequency). This variant has not been reported in the literature in individuals affected with DICER1-related conditions. Invitae Evidence Modeling of protein sequence and biophysical properties (such as structural, functional, and spatial information, amino acid conservation, physicochemical variation, residue mobility, and thermodynamic stability) indicates that this missense variant is not expected to disrupt DICER1 protein function with a negative predictive value of 95%. In summary, the available evidence is currently insufficient to determine the role of this variant in disease. Therefore, it has been classified as a Variant of Uncertain Significance.

NM_177438.3(DICER1):c.3405A>C (p.Gln1135His)

Gene: DICER1 (dicer 1, ribonuclease III; minus strand). Cytogenetic location: 14q32.13.
Variant type: single nucleotide variant.
Coding change: c.3405A>C on transcript NM_177438.3 (MANE Select); coding-DNA position 3405, A replaced by C.
Protein change: p.Gln1135His; replaces glutamine 1135 with histidine.
Molecular consequence: missense variant. On other transcripts: non-coding transcript variant (6).
Genome position (GRCh38, 1-based): chr14:95,103,991, T>G on the plus strand (A>C on the coding strand, the complement: DICER1 is on the minus strand). VCF-style: chr14-95103991-T-G. GRCh37 (hg19) VCF-style: chr14-95570328-T-G.
Other names: c.3405A>C, p.Gln1135His (NM_001195573.1, NM_001271282.3, NM_001291628.2 and 12 more transcripts); c.3123A>C, p.Gln1041His (NM_001395686.1); c.3000A>C, p.Gln1000His (NM_001395687.1, NM_001395688.1, NM_001395689.1 and 2 more transcripts); c.2838A>C, p.Gln946His (NM_001395691.1); c.1722A>C, p.Gln574His (NM_001395697.1); short protein forms Q1041H, Q1000H, Q1135H, Q574H, Q946H.
Identifiers: ClinVar variation 4746812 (VCV004746812.1).